The following is an entry in ClinVar:

NM_020442.6(VARS2):c.1822C>T (p.Arg608Cys)

Genes: VARS2 (valyl-tRNA synthetase 2, mitochondrial; plus strand), LOC126859646 (MED14-independent group 3 enhancer GRCh37_chr6:30889690-30890889; plus strand). Cytogenetic location: 6p21.33.
Variant type: single nucleotide variant.
Coding change: c.1822C>T on transcript NM_020442.6 (MANE Select); coding-DNA position 1822, C replaced by T.
Protein change: p.Arg608Cys; replaces arginine 608 with cysteine.
Molecular consequence: missense variant.
Genome position (GRCh38, 1-based): chr6:30,922,131, C>T. VCF-style: chr6-30922131-C-T. GRCh37 (hg19) VCF-style: chr6-30889908-C-T.
Other names: c.1402C>T, p.Arg468Cys (NM_001167733.3); c.1912C>T, p.Arg638Cys (NM_001167734.2); short protein forms R468C, R608C, R638C.
Identifiers: ClinVar variation 2068283 (VCV002068283.4), dbSNP rs766432913, ClinGen allele CA3706061.

ClinVar aggregate classification (germline): Uncertain significance (1 of 4 stars; one submission).

Allele frequency attached by ClinVar (database versions not stated): gnomAD 0.00001; gnomAD exomes below 0.00001; ExAC 0.00002.
gnomAD v4.1: 5 of 1,612,654 alleles (0.00031%); highest among the groups gnomAD compares: East Asian, 0.0022%; no homozygotes.

Submission:

Labcorp Genetics (formerly Invitae), Labcorp
Classification: Uncertain significance. Last evaluated: 2024-03-11. Review status: criteria provided, single submitter. Criteria: Invitae Variant Classification Sherloc (09022015). Collection method: clinical testing. Allele origin: germline.
Comment: This sequence change replaces arginine, which is basic and polar, with cysteine, which is neutral and slightly polar, at codon 638 of the VARS2 protein (p.Arg638Cys). This variant is present in population databases (rs766432913, gnomAD 0.003%). This variant has not been reported in the literature in individuals affected with VARS2-related conditions. ClinVar contains an entry for this variant (Variation ID: 2068283). Advanced modeling of protein sequence and biophysical properties (such as structural, functional, and spatial information, amino acid conservation, physicochemical variation, residue mobility, and thermodynamic stability) performed at Invitae indicates that this missense variant is not expected to disrupt VARS2 protein function with a negative predictive value of 80%. In summary, the available evidence is currently insufficient to determine the role of this variant in disease. Therefore, it has been classified as a Variant of Uncertain Significance.